The following is an entry in ClinVar:

ClinVar aggregate classification (germline): Uncertain significance (1 of 4 stars; one submission).

Conditions:
Peroxisome biogenesis disorder 2B (PBD2B). Identifiers: Orphanet 44, MedGen C3550234, MONDO:0008736, OMIM 202370.

Submission:

Labcorp Genetics (formerly Invitae), Labcorp
Classification: Uncertain significance for Peroxisome biogenesis disorder 2B. Last evaluated: 2025-03-17. Review status: criteria provided, single submitter. Criteria: Invitae Variant Classification Sherloc (09022015). Collection method: clinical testing. Allele origin: germline.
Comment: This sequence change replaces isoleucine, which is neutral and non-polar, with leucine, which is neutral and non-polar, at codon 389 of the PEX5 protein (p.Ile389Leu). This variant is not present in population databases (gnomAD no frequency). This variant has not been reported in the literature in individuals affected with PEX5-related conditions. Invitae Evidence Modeling of protein sequence and biophysical properties (such as structural, functional, and spatial information, amino acid conservation, physicochemical variation, residue mobility, and thermodynamic stability) indicates that this missense variant is expected to disrupt PEX5 protein function with a positive predictive value of 80%. In summary, the available evidence is currently insufficient to determine the role of this variant in disease. Therefore, it has been classified as a Variant of Uncertain Significance.

NM_001351132.2(PEX5):c.1165A>C (p.Ile389Leu)

Gene: PEX5 (peroxisomal biogenesis factor 5; plus strand). Cytogenetic location: 12p13.31.
Variant type: single nucleotide variant.
Coding change: c.1165A>C on transcript NM_001351132.2 (MANE Select); coding-DNA position 1165, A replaced by C.
Protein change: p.Ile389Leu; replaces isoleucine 389 with leucine.
Molecular consequence: missense variant.
Genome position (GRCh38, 1-based): chr12:7,208,064, A>C. VCF-style: chr12-7208064-A-C. GRCh37 (hg19) VCF-style: chr12-7360660-A-C.
Other names: c.1054A>C, p.Ile352Leu (NM_001351130.3, NM_001351137.3, NM_001131024.2 and 7 more transcripts); c.1165A>C, p.Ile389Leu (NM_001351131.2, NM_001351133.2, NM_001351134.2 and 4 more transcripts); c.1099A>C, p.Ile367Leu (NM_001351135.3, NM_001351138.2); c.1156A>C, p.Ile386Leu (NM_001351136.2); c.1030A>C, p.Ile344Leu (NM_001351139.2, NM_001351140.2, NM_001374649.2); c.1141A>C, p.Ile381Leu (NM_000319.5); c.1210A>C, p.Ile404Leu (NM_001131023.2); short protein forms I389L, I404L, I352L, I386L, I344L, I367L, I381L.
Identifiers: ClinVar variation 3666695 (VCV003666695.2).